The following is an entry in ClinVar:

NM_206933.4(USH2A):c.3308A>T (p.Tyr1103Phe)

Genes: USH2A (usherin; minus strand), USH2A-AS1 (USH2A antisense RNA 1; plus strand). Cytogenetic location: 1q41.
Variant type: single nucleotide variant.
Coding change: c.3308A>T on transcript NM_206933.4 (MANE Select); coding-DNA position 3308, A replaced by T.
Protein change: p.Tyr1103Phe; replaces tyrosine 1103 with phenylalanine.
Molecular consequence: missense variant.
Genome position (GRCh38, 1-based): chr1:216,207,281, T>A on the plus strand (A>T on the coding strand, the complement: USH2A is on the minus strand). VCF-style: chr1-216207281-T-A. GRCh37 (hg19) VCF-style: chr1-216380623-T-A.
Other names: c.3308A>T, p.Tyr1103Phe (NM_007123.6); short protein forms Y1103F.
Identifiers: ClinVar variation 1497614 (VCV001497614.6), dbSNP rs2102480705, ClinGen allele CA344862320.
Genomic context (GRCh38, chr1:216,207,281, plus strand): 5'-AATGTGTCAATTCTCAGAATATTTATTTCTATTACCAAACCCTTAAACTCACTGTATGGG[T>A]ATTGATCCTCTGTTGTGTAGATTTCAAAACCATCCCTGAGTAAACTGTAAGTAAGCCAGT-3'
Protein context (NP_996816.3, residues 1093-1113): GFEIYTTEDQ[Tyr1103Phe]PYSIQYFLDT

ClinVar aggregate classification (germline): Uncertain significance (1 of 4 stars; one submission).

Submission:

Labcorp Genetics (formerly Invitae), Labcorp
Classification: Uncertain significance. Last evaluated: 2022-06-28. Review status: criteria provided, single submitter. Criteria: Invitae Variant Classification Sherloc (09022015). Collection method: clinical testing. Allele origin: germline.
Comment: In summary, the available evidence is currently insufficient to determine the role of this variant in disease. Therefore, it has been classified as a Variant of Uncertain Significance. Algorithms developed to predict the effect of missense changes on protein structure and function (SIFT, PolyPhen-2, Align-GVGD) all suggest that this variant is likely to be tolerated. This variant has not been reported in the literature in individuals affected with USH2A-related conditions. This variant is not present in population databases (gnomAD no frequency). This sequence change replaces tyrosine, which is neutral and polar, with phenylalanine, which is neutral and non-polar, at codon 1103 of the USH2A protein (p.Tyr1103Phe).